The following is an entry in ClinVar:

NM_001160148.2(DDHD1):c.26C>T (p.Pro9Leu)

Gene: DDHD1 (DDHD domain containing 1; minus strand). Cytogenetic location: 14q22.1.
Variant type: single nucleotide variant.
Coding change: c.26C>T on transcript NM_001160148.2 (MANE Select); coding-DNA position 26, C replaced by T.
Protein change: p.Pro9Leu; replaces proline 9 with leucine.
Molecular consequence: missense variant.
Genome position (GRCh38, 1-based): chr14:53,153,073, G>A on the plus strand (C>T on the coding strand, the complement: DDHD1 is on the minus strand). VCF-style: chr14-53153073-G-A. GRCh37 (hg19) VCF-style: chr14-53619791-G-A.
Other names: c.26C>T (NM_001160148.1); c.26C>T, p.Pro9Leu (NM_001160147.2, NM_030637.3); short protein forms P9L.
Identifiers: ClinVar variation 1501082 (VCV001501082.9), dbSNP rs1257301534, ClinGen allele CA389782142.

ClinVar aggregate classification (germline): Uncertain significance. Review status: criteria provided, multiple submitters, no conflicts (2 of 4 stars). 2 submissions from 2 submitters: Uncertain significance (2). Last evaluated 2025-02-18.

Conditions:
Inborn genetic diseases. Identifiers: MedGen C0950123, MeSH D030342.
Hereditary spastic paraplegia 28. Also called: Spastic paraplegia 28, autosomal recessive. Identifiers: Orphanet 101008, MedGen C1836295, MONDO:0012256, OMIM 609340.

Allele frequency attached by ClinVar (database versions not stated): gnomAD exomes 0.00004.
gnomAD v4.1: 12 of 1,453,906 alleles (0.00083%); highest among the groups gnomAD compares: South Asian, 0.0014%; no homozygotes.

Submissions (2):

Ambry Genetics
Classification: Uncertain significance for Inborn genetic diseases. Last evaluated: 2025-02-18. Review status: criteria provided, single submitter. Criteria: Ambry Variant Classification Scheme 2023. Collection method: clinical testing. Allele origin: germline.

Labcorp Genetics (formerly Invitae), Labcorp
Classification: Uncertain significance for Hereditary spastic paraplegia 28. Last evaluated: 2021-06-25. Review status: criteria provided, single submitter. Criteria: Invitae Variant Classification Sherloc (09022015). Collection method: clinical testing. Allele origin: germline.
Comment: In summary, the available evidence is currently insufficient to determine the role of this variant in disease. Therefore, it has been classified as a Variant of Uncertain Significance. Algorithms developed to predict the effect of missense changes on protein structure and function are either unavailable or do not agree on the potential impact of this missense change (SIFT: "Deleterious"; PolyPhen-2: "Benign"; Align-GVGD: "Class C0"). This variant has not been reported in the literature in individuals with DDHD1-related conditions. The frequency data for this variant in the population databases is considered unreliable, as metrics indicate insufficient coverage at this position in the ExAC database. This sequence change replaces proline with leucine at codon 9 of the DDHD1 protein (p.Pro9Leu). The proline residue is moderately conserved and there is a moderate physicochemical difference between proline and leucine.